The following is an entry in ClinVar:

ClinVar aggregate classification (germline): Uncertain significance (1 of 4 stars; one submission).

Conditions:
Early Myoclonic Encephalopathy. Identifiers: MedGen C0270855.

Allele frequency attached by ClinVar (database versions not stated): ExAC 0.00001; gnomAD exomes 0.00001; gnomAD 0.00001.
gnomAD v4.1: 17 of 1,588,014 alleles (0.0011%); highest among the groups gnomAD compares: African/African-American, 0.0014%; no homozygotes.

Submission:

Labcorp Genetics (formerly Invitae), Labcorp
Classification: Uncertain significance for Early Myoclonic Encephalopathy. Last evaluated: 2024-01-12. Review status: criteria provided, single submitter. Criteria: Invitae Variant Classification Sherloc (09022015). Collection method: clinical testing. Allele origin: germline.
Comment: This sequence change falls in intron 17 of the JMJD1C gene. It does not directly change the encoded amino acid sequence of the JMJD1C protein. This variant is present in population databases (rs752205873, gnomAD 0.0009%). This variant has not been reported in the literature in individuals affected with JMJD1C-related conditions. Algorithms developed to predict the effect of sequence changes on RNA splicing suggest that this variant may create or strengthen a splice site. In summary, the available evidence is currently insufficient to determine the role of this variant in disease. Therefore, it has been classified as a Variant of Uncertain Significance.

NM_032776.3(JMJD1C):c.6292-5A>G

Gene: JMJD1C (jumonji domain containing 1C; minus strand). Cytogenetic location: 10q21.3.
Variant type: single nucleotide variant.
Coding change: c.6292-5A>G on transcript NM_032776.3 (MANE Select); 5 bases into the intron before coding-DNA position 6292, A replaced by G.
Molecular consequence: intron variant.
Genome position (GRCh38, 1-based): chr10:63,189,451, T>C on the plus strand (A>G on the coding strand, the complement: JMJD1C is on the minus strand). VCF-style: chr10-63189451-T-C. GRCh37 (hg19) VCF-style: chr10-64949211-T-C.
Other names: c.5635-5A>G (NM_001322258.2, NM_001322254.2); c.5746-5A>G (NM_001318154.2, NM_001282948.2); c.6178-5A>G (NM_001322252.2); c.5428-5A>G (NM_001318153.2).
Identifiers: ClinVar variation 2790413 (VCV002790413.3), dbSNP rs752205873, ClinGen allele CA5517896.